The following is an entry in ClinVar:

ClinVar aggregate classification (germline): Pathogenic. Review status: criteria provided, multiple submitters, no conflicts (2 of 4 stars). 12 submissions from 12 submitters: Pathogenic (9). 3 of the submissions do not count toward it. Last evaluated 2026-03-27.

Conditions:
PKP2-related disorder. Also called: PKP2-related condition.
Cardiovascular phenotype. Identifiers: MedGen CN230736.
Arrhythmogenic right ventricular cardiomyopathy (ARVD). Also called: Arrhythmogenic cardiomyopathy; Cardiomyopathy, ARVC; Arrhythmogenic right ventricular dysplasia; Arrhythmogenic Right Ventricular Cardiomyopathy (ARVC). Identifiers: Orphanet 247, MedGen C0349788, MeSH D019571, MONDO:0016587. Disease mechanism: loss of function. Inheritance: Various modes of inheritance.
Cardiomyopathy (CMYO). Also called: Cardiomyopathies. Identifiers: Orphanet 167848, MedGen C0878544, MONDO:0004994, HP:0001638. Inheritance: Various modes of inheritance.
Arrhythmogenic right ventricular dysplasia 9 (ARVD9). Also called: ARRHYTHMOGENIC RIGHT VENTRICULAR DYSPLASIA, FAMILIAL, 9; Arrhythmogenic Right Ventricular Dysplasia/Cardiomyopathy 9. Identifiers: MedGen C1836906, MONDO:0012180, OMIM 609040.

gnomAD v4.1: 6 of 1,613,664 alleles (0.00037%); highest among the groups gnomAD compares: South Asian, 0.0011%; no homozygotes.

Submissions 1 to 9 of 12:

Ambry Genetics
Classification: Pathogenic for Cardiovascular phenotype. Last evaluated: 2026-03-27. Review status: criteria provided, single submitter. Criteria: Ambry Variant Classification Scheme 2023. Collection method: clinical testing. Allele origin: germline.
Comment: The c.2203C>T (p.R735*) alteration, located in exon 11 (coding exon 11) of the PKP2 gene, consists of a C to T substitution at nucleotide position 2203. This changes the amino acid from a arginine (R) to a stop codon at amino acid position 735. This variant is expected to result in loss of function by premature protein truncation or nonsense-mediated mRNA decay. Based on data from gnomAD, the T allele has an overall frequency of <0.001% (1/251356) total alleles studied. The highest observed frequency was 0.003% (1/30614) of South Asian alleles. This alteration has been reported in subjects with arrhythmogenic right ventricular cardiomyopathy (ARVC) (Gerull, 2004; Bao, 2013; Alcalde, 2014; Ruiz Salas, 2018). Transgenic mice with cardiac-specific expression of this variant developed exercise-dependent right ventricular dysfunction resembling ARVC (Cruz, 2015). Based on the available evidence, this alteration is classified as pathogenic.

CeGaT Center for Human Genetics Tuebingen
Classification: Pathogenic. Last evaluated: 2025-10-01. Review status: criteria provided, single submitter. Criteria: CeGaT Center For Human Genetics Tuebingen Variant Classification Criteria Version 2. Collection method: clinical testing. Allele origin: germline. Affected: yes. Observed: 4 variant alleles.
Comment: PKP2: PVS1, PM2, PS4:Moderate

Labcorp Genetics (formerly Invitae), Labcorp
Classification: Pathogenic for Arrhythmogenic right ventricular dysplasia 9. Last evaluated: 2025-09-19. Review status: criteria provided, single submitter. Criteria: Invitae Variant Classification Sherloc (09022015). Collection method: clinical testing. Allele origin: germline.
Comment: This sequence change creates a premature translational stop signal (p.Arg735*) in the PKP2 gene. It is expected to result in an absent or disrupted protein product. Loss-of-function variants in PKP2 are known to be pathogenic (PMID: 15489853, 17041889, 23911551). This variant is present in population databases (rs121434421, gnomAD 0.003%). This premature translational stop signal has been observed in individual(s) with arrythmogenic ventricular cardiomyopathy (ARVC) (PMID: 15489853, 24125834, 24967631). ClinVar contains an entry for this variant (Variation ID: 6755). For these reasons, this variant has been classified as Pathogenic.

Color Diagnostics, LLC DBA Color Health
Classification: Pathogenic for Cardiomyopathy. Last evaluated: 2024-03-20. Review status: criteria provided, single submitter. Criteria: ACMG Guidelines, 2015. Collection method: clinical testing. Allele origin: germline.
Comment: This variant changes 1 nucleotide in exon 11 of the PKP2 gene, creating a premature translation stop signal. This variant is expected to result in an absent protein product due to nonsense-mediated mRNA decay. A functional study has shown that mice with heart-specific expression of the variant allele exhibit right ventricular systolic dysfunction (PMID: 37833253). In cardiac cells isolated from these mice, the mutant protein showed unstable conformation and abnormal subcellular localization and is associated with disorganized actin cytoskeleton and sarcomeric misalignment (PMID: 37833253). This variant has been reported in 6 unrelated individuals affected with arrhythmogenic right ventricular cardiomyopathy (PMID: 15489853, 24967631, 29178656, 35536239). This variant has been shown to segregate with arrhythmogenic right ventricular cardiomyopathy in 4 of 7 carriers from a family (PMID: 24967631). This variant has also been identified in 40 participants of the UK Biobank study, with 2 carriers displaying clinical findings consistent with arrhythmogenic right ventricular cardiomyopathy (PMID: 35536239). This variant has been identified in 1/251356 chromosomes in the general population by the Genome Aggregation Database (gnomAD). Loss of PKP2 function is a known mechanism of disease. Based on the available evidence, this variant is classified as Pathogenic.

All of Us Research Program, National Institutes of Health
Classification: Pathogenic for Arrhythmogenic right ventricular cardiomyopathy. Last evaluated: 2023-12-09. Review status: criteria provided, single submitter. Criteria: ACMG Guidelines, 2015. Collection method: clinical testing. Allele origin: germline. Inheritance: Autosomal dominant inheritance. Observed: 1 variant allele, 1 heterozygote.
Comment: The c.2203C>T (p.Arg735*) variant in exon 11 of PKP2 gene, that encodes for plakophilin 2, creates a premature termination codon that is predicted to lead to absent or truncated protein product. This variant has been reported in several unrelated individuals (>15) with arrhythmogenic cardiomyopathy (PMID:32389048, 32268277, 30385303, 28471438, 31319917, 29178656, 24125834, 15489853), also found to be segregated in a family with four affected individuals with clinical features of arrhythmogenic right ventricular cardiomyopathy (ARVC) (PMID:24967631). Functional studies on transgenic mice showed that cardiac overexpression of human p.Arg735* in mice induced exercise dependent ARVC phenotype, and thus the pathogenic mechanism of this variant was concluded as dominant negative (PMID: 25857910). This variant was found to be rare (1/251356; 0.000003978) in the general population database gnomAD and classified as pathogenic by several ClinVar submitters (ClinVar ID: 6755). Loss of function variants are known to be pathogenic for PKP2 (PMID: 23911551, 15489853, 24704780, 29038103, 34120153). Loss of function variants downstream of this variant are reported to be pathogenic in multiple individuals with ARVC/D (PMID: 26743238, 15489853, 17010805, 20031616, 20031617) and classified as pathogenic by several ClinVar submitters (ClinVar ID: 640578, 202005, 6757). Therefore, the c.2203C>T (p.Arg735*) variant in the PKP2 gene is classified as pathogenic.

This study involves interpretation of variants in research participants for the purpose of population health screening. Participant phenotype was not available at the time of variant classification. Additional details can be found in publication PMID: 35346344, PMCID: PMC8962531

Blueprint Genetics
Classification: Pathogenic for PKP2-related disorders. Last evaluated: 2023-09-06. Review status: criteria provided, single submitter. Criteria: ACMG Guidelines, 2015. Collection method: clinical testing. Allele origin: germline. Affected: yes. Observed: 1 variant allele.

GeneDx
Classification: Pathogenic. Last evaluated: 2022-05-13. Review status: criteria provided, single submitter. Criteria: GeneDx Variant Classification Process June 2021. Collection method: clinical testing. Allele origin: germline. Affected: yes.
Comment: Nonsense variant predicted to result in protein truncation or nonsense mediated decay in a gene for which loss-of-function is a known mechanism of disease; Functional studies show that over-expression of human p.(R735*) in mice induced an exercise-dependent ARVC phenotype (Cruz et al., 2015); Not observed at significant frequency in large population cohorts (gnomAD); This variant is associated with the following publications: (PMID: 32466575, 24125834, 25525159, 17363426, 18382419, 24832006, 24967631, 28008009, 30385303, 28471438, 29178656, 29606362, 30790397, 31737537, 32268277, 32372669, 31386562, 31402444, 33232181, 15489853, 25857910)

Laboratory for Molecular Medicine, Mass General Brigham Personalized Medicine
Classification: Pathogenic for Arrhythmogenic right ventricular cardiomyopathy. Last evaluated: 2018-02-26. Review status: criteria provided, single submitter. Criteria: LMM Criteria. Collection method: clinical testing. Allele origin: germline. Inheritance: Autosomal dominant inheritance. Observed: 2 variant alleles.
Comment: The p.Arg735X variant in PKP2 has been reported in 7 individuals with clinical f eatures of ARVC and segregated with disease in 3 affected relatives (Gerull 2004 , Bao 2013, Alcalde 2014, LMM data). This variant has been identified in 1/30780 South Asian chromosomes by the Genome Aggregation Database (gnomAD; dbSNP rs121434421) and has been reported in ClinVar (Vari ation ID 6755). This nonsense variant leads to a premature termination codon at position 735, which is predicted to lead to a truncated or absent protein. Heter ozygous loss of function of the PKP2 gene is an established disease mechanism in ARVC. Transgenic mice expressing p.Arg735X mutant protein in cardiac tissue res ulted in exercise-dependent ARVC phenotype (Cruz 2015). In summary, this variant meets criteria to be classified as pathogenic for ARVC in an autosomal dominant manner based. ACMG/AMP Criteria applied: PVS1; PM2; PS4_Moderate; PP1; PS3_Supp orting.

Juno Genomics, Hangzhou Juno Genomics, Inc
Classification: Pathogenic for Arrhythmogenic right ventricular dysplasia 9. Review status: criteria provided, single submitter. Criteria: ACMG Guidelines, 2015. Collection method: clinical testing. Allele origin: germline.
Comment: Absent from controls (or at extremely low frequency if recessive) in Genome Aggregation Database.;Null variant in a gene where loss of function (LOF) is a known mechanism of disease.;The prevalence of the variant in affected individuals is significantly increased compared to the prevalence in controls.;Patient's phenotype or family history is highly specific for a disease with a single genetic etiology.;Co-segregation with disease in multiple affected family members.

NM_001005242.3(PKP2):c.2071C>T (p.Arg691Ter)

Gene: PKP2 (plakophilin 2; minus strand). Cytogenetic location: 12p11.21.
Variant type: single nucleotide variant.
Coding change: c.2071C>T on transcript NM_001005242.3 (MANE Select); coding-DNA position 2071, C replaced by T.
Protein change: p.Arg691Ter; replaces arginine 691 with a stop codon.
Molecular consequence: nonsense.
Genome position (GRCh38, 1-based): chr12:32,802,499, G>A on the plus strand (C>T on the coding strand, the complement: PKP2 is on the minus strand). VCF-style: chr12-32802499-G-A. GRCh37 (hg19) VCF-style: chr12-32955433-G-A.
Other names: c.2203C>T, p.Arg735Ter (NM_004572.4); short protein forms R735*, R691*.
Identifiers: ClinVar variation 6755 (VCV000006755.58), dbSNP rs121434421, ClinGen allele CA011795.